The following is an entry in ClinVar:

ClinVar aggregate classification (germline): Uncertain significance. Review status: criteria provided, multiple submitters, no conflicts (2 of 4 stars). 3 submissions from 3 submitters: Uncertain significance (3). Last evaluated 2025-12-22.

Conditions:
Combined immunodeficiency due to LRBA deficiency. Also called: Common variable immunodeficiency 8, with autoimmunity. Identifiers: Orphanet 445018, MedGen C3553512, MONDO:0013863, OMIM 614700.

Allele frequency attached by ClinVar (database versions not stated): ExAC 0.00001.
gnomAD v4.1: 23 of 1,612,886 alleles (0.0014%); highest among the groups gnomAD compares: Non-Finnish European, 0.0018%; 1 homozygote.

Submissions (3):

Labcorp Genetics (formerly Invitae), Labcorp
Classification: Uncertain significance for Combined immunodeficiency due to LRBA deficiency. Last evaluated: 2025-12-22. Review status: criteria provided, single submitter. Criteria: Invitae Variant Classification Sherloc (09022015). Collection method: clinical testing. Allele origin: germline.
Comment: This sequence change replaces arginine, which is basic and polar, with glutamine, which is neutral and polar, at codon 1929 of the LRBA protein (p.Arg1929Gln). This variant is present in population databases (rs747575946, gnomAD 0.003%). This variant has not been reported in the literature in individuals affected with LRBA-related conditions. ClinVar contains an entry for this variant (Variation ID: 636488). Invitae Evidence Modeling of protein sequence and biophysical properties (such as structural, functional, and spatial information, amino acid conservation, physicochemical variation, residue mobility, and thermodynamic stability) indicates that this missense variant is not expected to disrupt LRBA protein function with a negative predictive value of 80%. In summary, the available evidence is currently insufficient to determine the role of this variant in disease. Therefore, it has been classified as a Variant of Uncertain Significance.

Blueprint Genetics
Classification: Uncertain significance. Last evaluated: 2024-10-11. Review status: criteria provided, single submitter. Criteria: ACMG Guidelines, 2015. Collection method: clinical testing. Allele origin: germline.

GeneDx
Classification: Uncertain significance. Last evaluated: 2019-11-22. Review status: criteria provided, single submitter. Criteria: GeneDx Variant Classification Process June 2021. Collection method: clinical testing. Allele origin: germline. Affected: yes.
Comment: In silico analysis, which includes protein predictors and evolutionary conservation, supports a deleterious effect; Has not been previously published as pathogenic or benign to our knowledge

NM_001364905.1(LRBA):c.5786G>A (p.Arg1929Gln)

Gene: LRBA (LPS responsive beige-like anchor protein; minus strand). Cytogenetic location: 4q31.3.
Variant type: single nucleotide variant.
Coding change: c.5786G>A on transcript NM_001364905.1 (MANE Select); coding-DNA position 5786, G replaced by A.
Protein change: p.Arg1929Gln; replaces arginine 1929 with glutamine.
Molecular consequence: missense variant.
Genome position (GRCh38, 1-based): chr4:150,683,686, C>T on the plus strand (G>A on the coding strand, the complement: LRBA is on the minus strand). VCF-style: chr4-150683686-C-T. GRCh37 (hg19) VCF-style: chr4-151604838-C-T.
Other names: c.5786G>A, p.Arg1929Gln (NM_001199282.3, NM_001367550.1, NM_006726.5); short protein forms R1929Q.
Identifiers: ClinVar variation 636488 (VCV000636488.9), dbSNP rs747575946, ClinGen allele CA3102343.
Genomic context (GRCh38, chr4:150,683,686, plus strand): 5'-GTCACGTGGTCACGATATTTTGCTGCTCTTATCAAATGATCACACATCTTCTCATCTTCT[C>T]GTTTGTCTGCAGAATACTGGGCACACAGTGACTTGGAGAGAAAAAAAAATAATACTATAA-3'
Protein context (NP_001351834.1, residues 1919-1939): SLCAQYSADK[Arg1929Gln]EDEKMCDHLI